The following is an entry in ClinVar:

NM_207122.2(EXT2):c.521T>A (p.Met174Lys)

Gene: EXT2 (exostosin glycosyltransferase 2; plus strand). Cytogenetic location: 11p11.2.
Variant type: single nucleotide variant.
Coding change: c.521T>A on transcript NM_207122.2 (MANE Select); coding-DNA position 521, T replaced by A.
Protein change: p.Met174Lys; replaces methionine 174 with lysine.
Molecular consequence: missense variant.
Genome position (GRCh38, 1-based): chr11:44,108,233, T>A. VCF-style: chr11-44108233-T-A. GRCh37 (hg19) VCF-style: chr11-44129783-T-A.
Other names: c.620T>A, p.Met207Lys (NM_000401.3); c.521T>A, p.Met174Lys (NM_001178083.3, NM_001389628.1, NM_001389630.1); short protein forms M174K, M207K.
Identifiers: ClinVar variation 3654164 (VCV003654164.2).
Genomic context (GRCh38, chr11:44,108,233, plus strand): 5'-TTCCCTCCATCGATGTGCTTAACCAGAACACACTGCGCATCAAGGAGACAGCACAAGCGA[T>A]GGCCCAGCTCTCTAGGTATCTCACACTCATACAGCCCAGCCCCCAGGAGATACTTGAGTG-3'
Protein context (NP_997005.1, residues 164-184): TLRIKETAQA[Met174Lys]AQLSRWDRGT

ClinVar aggregate classification (germline): Uncertain significance (1 of 4 stars; one submission).

Conditions:
Exostoses, multiple, type 2 (EXT2). Also called: Hereditary Multiple Osteochondromatosis, Type II; EXOSTOSES, MULTIPLE, TYPE II. Identifiers: Orphanet 321, MedGen C1851413, MONDO:0007586, OMIM 133701.

Submission:

Labcorp Genetics (formerly Invitae), Labcorp
Classification: Uncertain significance for Exostoses, multiple, type 2. Last evaluated: 2024-05-22. Review status: criteria provided, single submitter. Criteria: Invitae Variant Classification Sherloc (09022015). Collection method: clinical testing. Allele origin: germline.
Comment: This sequence change replaces methionine, which is neutral and non-polar, with lysine, which is basic and polar, at codon 174 of the EXT2 protein (p.Met174Lys). This variant is not present in population databases (gnomAD no frequency). This variant has not been reported in the literature in individuals affected with EXT2-related conditions. Advanced modeling of protein sequence and biophysical properties (such as structural, functional, and spatial information, amino acid conservation, physicochemical variation, residue mobility, and thermodynamic stability) performed at Invitae indicates that this missense variant is not expected to disrupt EXT2 protein function with a negative predictive value of 80%. In summary, the available evidence is currently insufficient to determine the role of this variant in disease. Therefore, it has been classified as a Variant of Uncertain Significance.